The following is an entry in ClinVar:

ClinVar aggregate classification (germline): Likely benign. Review status: criteria provided, multiple submitters, no conflicts (2 of 4 stars). 2 submissions from 2 submitters: Likely benign (2). Last evaluated 2025-12-20.

Allele frequency attached by ClinVar (database versions not stated): gnomAD exomes below 0.00001 and 0.00001; TOPMed 0.00001.
gnomAD v4.1: 15 of 1,614,062 alleles (0.00093%); highest among the groups gnomAD compares: Non-Finnish European, 0.0013%; no homozygotes.

Submissions (2):

Labcorp Genetics (formerly Invitae), Labcorp
Classification: Likely benign. Last evaluated: 2025-12-20. Review status: criteria provided, single submitter. Criteria: Invitae Variant Classification Sherloc (09022015). Collection method: clinical testing. Allele origin: germline.

CeGaT Center for Human Genetics Tuebingen
Classification: Likely benign. Last evaluated: 2022-10-01. Review status: criteria provided, single submitter. Criteria: CeGaT Center For Human Genetics Tuebingen Variant Classification Criteria Version 2. Collection method: clinical testing. Allele origin: germline. Affected: yes. Observed: 1 variant allele.
Comment: EXOSC2: BP4, BP7

NM_014285.7(EXOSC2):c.483G>T (p.Leu161=)

Gene: EXOSC2 (exosome component 2; plus strand). Cytogenetic location: 9q34.12.
Variant type: single nucleotide variant.
Coding change: c.483G>T on transcript NM_014285.7 (MANE Select); coding-DNA position 483, G replaced by T.
Protein change: p.Leu161=; no amino-acid change (leucine 161 retained).
Molecular consequence: synonymous variant. On other transcripts: intron variant (1).
Genome position (GRCh38, 1-based): chr9:130,700,923, G>T. VCF-style: chr9-130700923-G-T. GRCh37 (hg19) VCF-style: chr9-133576310-G-T.
Other names: c.393G>T, p.Leu131= (NM_001282709.1); c.427-1220G>T (NM_001282708.1).
Identifiers: ClinVar variation 1104425 (VCV001104425.32), dbSNP rs1234328227, ClinGen allele CA467394133.
Genomic context (GRCh38, chr9:130,700,923, plus strand): 5'-CCAGGCTGAGGTCCAGGCAGTGTTCTCTGACGGAGCTGTCTCTTTGCACACGAGGAGCCT[G>T]AAATATGGAAAAGTAAGTCGGGCTCTTGATGTTCCTGTTTGCTGACTGAGACTACAAGGC-3'
Protein context (NP_055100.2, residues 151-171): DGAVSLHTRS[Leu161=]KYGKLGQGVL